The following is an entry in ClinVar:

NM_015215.4(CAMTA1):c.2912A>G (p.Asp971Gly)

Gene: CAMTA1 (calmodulin binding transcription activator 1; plus strand). Cytogenetic location: 1p36.23.
Variant type: single nucleotide variant.
Coding change: c.2912A>G on transcript NM_015215.4 (MANE Select); coding-DNA position 2912, A replaced by G.
Protein change: p.Asp971Gly; replaces aspartic acid 971 with glycine.
Molecular consequence: missense variant. On other transcripts: 5 prime UTR variant (6).
Genome position (GRCh38, 1-based): chr1:7,677,731, A>G. VCF-style: chr1-7677731-A-G. GRCh37 (hg19) VCF-style: chr1-7737791-A-G.
Other names: c.2822A>G, p.Asp941Gly (NM_001349608.2, NM_001349612.2); c.2912A>G, p.Asp971Gly (NM_001349609.2, NM_001349610.2, NM_001410737.1); c.-17A>G (NM_001349614.1, NM_001349617.1, NM_001349620.1 and 3 more transcripts); c.2840A>G, p.Asp947Gly (NM_001410738.1); short protein forms D941G, D947G, D971G.
Identifiers: ClinVar variation 4823501 (VCV004823501.4).
Genomic context (GRCh38, chr1:7,677,731, plus strand): 5'-AGTACAAAGCCCGGGCTCTGCCCACGCTCCCTTCCTCCCAGCACGACTGGCTGTCGTTGG[A>G]CGGTAAGAACAGTGCTTGGGTCGTCTTGCCAGGCACCAAGGGAGAGGGATGCTTGGGGAC-3'
Protein context (NP_056030.1, residues 961-981): PSSQHDWLSL[Asp971Gly]DNQFRMSILE

ClinVar aggregate classification (germline): Uncertain significance (1 of 4 stars; one submission).

Submission:

CeGaT Center for Human Genetics Tuebingen
Classification: Uncertain significance. Last evaluated: 2026-03-01. Review status: criteria provided, single submitter. Criteria: CeGaT Center For Human Genetics Tuebingen Variant Classification Criteria Version 2. Collection method: clinical testing. Allele origin: germline. Affected: yes. Observed: 1 variant allele.
Comment: CAMTA1: PM2